The following is an entry in ClinVar:

GRCh38/hg38 10q11.22-11.23(chr10:45710242-50151325)x1

Genes: AGAP10 (ArfGAP with GTPase domain, ankyrin repeat and PH domain 10), AGAP4 (ArfGAP with GTPase domain, ankyrin repeat and PH domain 4; minus strand), AGAP6 (ArfGAP with GTPase domain, ankyrin repeat and PH domain 6; plus strand), AGAP9 (ArfGAP with GTPase domain, ankyrin repeat and PH domain 9; minus strand), ANTXRL (ANTXR like; plus strand) and 123 more. Cytogenetic location: 10q11.22-11.23.
Variant type: copy number loss.
Change: copy number 1 (one copy instead of two) of chr10:45,710,242-50,151,325 (4.44 Mb, GRCh38 coordinates, 1-based), cytogenetic band 10q11.22-11.23.
Identifiers: ClinVar variation 58543 (VCV000058543.1).

ClinVar aggregate classification (germline): Pathogenic (1 of 4 stars; one submission).

Submission:

ISCA site 14
Classification: Pathogenic. Last evaluated: 2011-08-12. Review status: criteria provided, single submitter. Criteria: Kaminsky et al. (Genet Med. 2011). Collection method: clinical testing. Allele origin: unknown. Affected: yes. Observed: 1 variant allele.
Comment: Copy number variation identified through the course of routine clinical cytogenomic testing in postnatal populations. Clinical assertions have been curated as described in Kaminsky et al. 2011.